The following is an entry in ClinVar:

ClinVar aggregate classification (germline): Pathogenic. Review status: criteria provided, multiple submitters, no conflicts (2 of 4 stars). 3 submissions from 3 submitters: Pathogenic (3). Last evaluated 2025-02-07.

Conditions:
Hereditary cancer-predisposing syndrome. Also called: Neoplastic Syndromes, Hereditary; Hereditary Cancer Syndrome; Hereditary neoplastic syndrome; Tumor predisposition. Identifiers: Orphanet 140162, MedGen C0027672, MeSH D009386, MONDO:0015356.
Cardiovascular phenotype. Identifiers: MedGen CN230736.
Neurofibromatosis, type 1 (NF1). Also called: Neurofibromatosis, type I; Peripheral type neurofibromatosis; VON RECKLINGHAUSEN DISEASE; NEUROFIBROMATOSIS, TYPE I, SOMATIC. Identifiers: Orphanet 636, MedGen C0027831, MONDO:0018975, OMIM 162200. Disease mechanism: loss of function.

Submissions (3):

Labcorp Genetics (formerly Invitae), Labcorp
Classification: Pathogenic for Neurofibromatosis, type 1. Last evaluated: 2025-02-07. Review status: criteria provided, single submitter. Criteria: Invitae Variant Classification Sherloc (09022015). Collection method: clinical testing. Allele origin: germline.
Comment: This sequence change creates a premature translational stop signal (p.Trp2208*) in the NF1 gene. It is expected to result in an absent or disrupted protein product. Loss-of-function variants in NF1 are known to be pathogenic (PMID: 10712197, 23913538). This variant is not present in population databases (gnomAD no frequency). This premature translational stop signal has been observed in individual(s) with neurofibromatosis type 1 (PMID: 7655472). ClinVar contains an entry for this variant (Variation ID: 826516). For these reasons, this variant has been classified as Pathogenic.

Genome-Nilou Lab
Classification: Pathogenic for Neurofibromatosis, type 1. Last evaluated: 2022-03-15. Review status: criteria provided, single submitter. Criteria: ACMG Guidelines, 2015. Collection method: clinical testing. Allele origin: germline. Affected: no.

Ambry Genetics
Classification: Pathogenic for Cardiovascular phenotype; Hereditary cancer-predisposing syndrome. Last evaluated: 2019-11-20. Review status: criteria provided, single submitter. Criteria: Ambry Variant Classification Scheme 2023. Collection method: clinical testing. Allele origin: germline.
Comment: The p.W2208* pathogenic mutation (also known as c.6624G>A), located in coding exon 43 of the NF1 gene, results from a G to A substitution at nucleotide position 6624. This changes the amino acid from a tryptophan to a stop codon within coding exon 43. This variant has been reported in an individual with a clinical diagnosis of neurofibromatosis type 1 (Heim RA et al. Hum. Mol. Genet., 1995 Jun;4:975-81). This alteration is expected to result in loss of function by premature protein truncation or nonsense-mediated mRNA decay. As such, this alteration is interpreted as a disease-causing mutation.

Literature cited by the submitters: PubMed 10712197 (cited by Labcorp Genetics (formerly Invitae), Labcorp); PubMed 23913538 (cited by Labcorp Genetics (formerly Invitae), Labcorp); PubMed 7655472 (cited by Labcorp Genetics (formerly Invitae), Labcorp).

NM_001042492.3(NF1):c.6687G>A (p.Trp2229Ter)

Gene: NF1 (neurofibromin 1; plus strand). Cytogenetic location: 17q11.2.
Variant type: single nucleotide variant.
Coding change: c.6687G>A on transcript NM_001042492.3 (MANE Select); coding-DNA position 6687, G replaced by A.
Protein change: p.Trp2229Ter; replaces tryptophan 2229 with a stop codon.
Molecular consequence: nonsense.
Genome position (GRCh38, 1-based): chr17:31,337,863, G>A. VCF-style: chr17-31337863-G-A. GRCh37 (hg19) VCF-style: chr17-29664881-G-A.
Other names: c.6624G>A, p.Trp2208Ter (NM_000267.4); short protein forms W2229*, W2208*.
Identifiers: ClinVar variation 826516 (VCV000826516.11), dbSNP rs1597844653, ClinGen allele CA399013899.
Genomic context (GRCh38, chr17:31,337,863, plus strand): 5'-GTATCCCCTTTTTTAGGCATGCATGAGAGATATTCCAACGTGCAAGTGGCTGGACCAGTG[G>A]ACAGAACTAGCTCAAAGGTATGTCCTAAATTAAATATAAGTTGTAAAAATATGCATATTG-3'